The following is an entry in ClinVar:

NM_000179.3(MSH6):c.3530T>A (p.Leu1177His)

Gene: MSH6 (mutS homolog 6; plus strand). Cytogenetic location: 2p16.3.
Variant type: single nucleotide variant.
Coding change: c.3530T>A on transcript NM_000179.3 (MANE Select); coding-DNA position 3530, T replaced by A.
Protein change: p.Leu1177His; replaces leucine 1177 with histidine.
Molecular consequence: missense variant.
Genome position (GRCh38, 1-based): chr2:47,805,001, T>A. VCF-style: chr2-47805001-T-A. GRCh37 (hg19) VCF-style: chr2-48032140-T-A.
Other names: c.3140T>A, p.Leu1047His (NM_001281492.2); c.2624T>A, p.Leu875His (NM_001281493.2, NM_001281494.2); short protein forms L1177H, L875H, L1047H.
Identifiers: ClinVar variation 823894 (VCV000823894.4), dbSNP rs1572738932, ClinGen allele CA346760228.

ClinVar aggregate classification (germline): Uncertain significance (1 of 4 stars; one submission).

Conditions:
Hereditary cancer-predisposing syndrome. Also called: Neoplastic Syndromes, Hereditary; Tumor predisposition; Hereditary neoplastic syndrome; Hereditary Cancer Syndrome. Identifiers: Orphanet 140162, MedGen C0027672, MeSH D009386, MONDO:0015356.

Submission:

Ambry Genetics
Classification: Uncertain significance for Hereditary cancer-predisposing syndrome. Last evaluated: 2019-11-21. Review status: criteria provided, single submitter. Criteria: Ambry Variant Classification Scheme 2023. Collection method: clinical testing. Allele origin: germline.
Comment: The p.L1177H variant (also known as c.3530T>A), located in coding exon 6 of the MSH6 gene, results from a T to A substitution at nucleotide position 3530. The leucine at codon 1177 is replaced by histidine, an amino acid with similar properties. This amino acid position is highly conserved in available vertebrate species. In addition, this alteration is predicted to be deleterious by in silico analysis. Since supporting evidence is limited at this time, the clinical significance of this alteration remains unclear.